The following is an entry in ClinVar:

ClinVar aggregate classification (germline): Uncertain significance (1 of 4 stars; one submission).

Conditions:
Inflammatory skin and bowel disease, neonatal, 1. Identifiers: Orphanet 294023, MedGen C3280501, MONDO:0013693, OMIM 614328.

Allele frequency attached by ClinVar (database versions not stated): gnomAD 0.00001; gnomAD exomes 0.00001.
gnomAD v4.1: 13 of 1,614,062 alleles (0.00081%); highest among the groups gnomAD compares: Admixed American, 0.0017%; no homozygotes.

Submission:

Labcorp Genetics (formerly Invitae), Labcorp
Classification: Uncertain significance for Inflammatory skin and bowel disease, neonatal, 1. Last evaluated: 2022-08-15. Review status: criteria provided, single submitter. Criteria: Invitae Variant Classification Sherloc (09022015). Collection method: clinical testing. Allele origin: germline.
Comment: In summary, the available evidence is currently insufficient to determine the role of this variant in disease. Therefore, it has been classified as a Variant of Uncertain Significance. Algorithms developed to predict the effect of missense changes on protein structure and function are either unavailable or do not agree on the potential impact of this missense change (SIFT: "Not Available"; PolyPhen-2: "Probably Damaging"; Align-GVGD: "Not Available"). This variant has not been reported in the literature in individuals affected with ADAM17-related conditions. This variant is not present in population databases (gnomAD no frequency). This sequence change replaces leucine, which is neutral and non-polar, with valine, which is neutral and non-polar, at codon 795 of the ADAM17 protein (p.Leu795Val).

NM_003183.6(ADAM17):c.2383C>G (p.Leu795Val)

Genes: ADAM17 (ADAM metallopeptidase domain 17; minus strand), IAH1 (isoamyl acetate hydrolyzing esterase 1 (putative); plus strand). Cytogenetic location: 2p25.1.
Variant type: single nucleotide variant.
Coding change: c.2383C>G on transcript NM_003183.6 (MANE Select); coding-DNA position 2383, C replaced by G.
Protein change: p.Leu795Val; replaces leucine 795 with valine.
Molecular consequence: missense variant.
Genome position (GRCh38, 1-based): chr2:9,490,269, G>C on the plus strand (C>G on the coding strand, the complement: ADAM17 is on the minus strand). VCF-style: chr2-9490269-G-C. GRCh37 (hg19) VCF-style: chr2-9630398-G-C.
Other names: c.1723C>G, p.Leu575Val (NM_001382777.1); c.1486C>G, p.Leu496Val (NM_001382778.1); short protein forms L496V, L575V, L795V.
Identifiers: ClinVar variation 2077202 (VCV002077202.4), dbSNP rs1662013853, ClinGen allele CA345794325.